The following is an entry in ClinVar:

ClinVar aggregate classification (germline): Uncertain significance. Review status: criteria provided, multiple submitters, no conflicts (2 of 4 stars). 4 submissions from 4 submitters: Uncertain significance (4). Last evaluated 2026-04-01.

Conditions:
Inborn genetic diseases. Identifiers: MedGen C0950123, MeSH D030342.
Autosomal recessive nonsyndromic hearing loss 1A (DFNB1A). Also called: GJB6-Related DFNB 1 Nonsyndromic Hearing Loss and Deafness; Deafness, autosomal recessive 1A; Connexin 26 deafness; Deafness nonsyndromic, Connexin 26 linked; Nonsyndromic Hearing Loss and Deafness, DFNB1; GJB2-Related Autosomal Recessive Nonsyndromic Hearing Loss. Identifiers: Orphanet 90636, MedGen C2673759, MONDO:0009076, OMIM 220290.

Allele frequency attached by ClinVar (database versions not stated): gnomAD exomes 0.00001 and 0.00002; TOPMed 0.00003; ExAC 0.00002; gnomAD 0.00002; ESP Exome Variant Server 0.00015.
gnomAD v4.1: 25 of 1,613,242 alleles (0.0015%); highest among the groups gnomAD compares: Middle Eastern, 0.033%; no homozygotes.

Submissions (4):

GeneDx
Classification: Uncertain significance. Last evaluated: 2026-04-01. Review status: criteria provided, single submitter. Criteria: GeneDx Variant Classification Process June 2021. Collection method: clinical testing. Allele origin: germline.
Comment: In silico analysis suggests that this missense variant does not alter protein structure/function; Has not been previously published as pathogenic or benign to our knowledge

Ambry Genetics
Classification: Uncertain significance for Inborn genetic diseases. Last evaluated: 2023-12-18. Review status: criteria provided, single submitter. Criteria: Ambry Variant Classification Scheme 2023. Collection method: clinical testing. Allele origin: germline.

Blueprint Genetics
Classification: Uncertain significance. Last evaluated: 2021-09-02. Review status: criteria provided, single submitter. Criteria: ACMG Guidelines, 2015. Collection method: clinical testing. Allele origin: germline.

Institute of Human Genetics, University of Goettingen
Classification: Uncertain significance for Autosomal recessive nonsyndromic hearing loss 1A. Last evaluated: 2019-10-02. Review status: criteria provided, single submitter. Criteria: ACMG Guidelines, 2015. Collection method: clinical testing. Allele origin: paternal. Inheritance: Autosomal recessive inheritance. Affected: yes. Observed: 1 compound heterozygote.
Comment: The c.586G>A GJB3-variant (p.Ala196Thr) is found at a relatively low frequency (gnomAD & ExAC population frequency: 0.0025%) within the general population and has a pathogenic computational verdict due to 10 pathogenic predictions from DANN, DEOGEN2, FATHMM, FATHMM-MKL, FATHMM-XF, LRT, M-CAP, MutationAssessor, MutationTaster and SIFT vs. 3 benign predictions from PROVEAN, PrimateAI and SIFT4G. Thus, we consider this variant a variant of unknown significance (VUS), with possibly benign character. The possibility of this variant being pathogenic in homozygous state can not be excluded.

NM_024009.3(GJB3):c.586G>A (p.Ala196Thr)

Gene: GJB3 (gap junction protein beta 3; plus strand). Cytogenetic location: 1p34.3.
Variant type: single nucleotide variant.
Coding change: c.586G>A on transcript NM_024009.3 (MANE Select); coding-DNA position 586, G replaced by A.
Protein change: p.Ala196Thr; replaces alanine 196 with threonine.
Molecular consequence: missense variant.
Genome position (GRCh38, 1-based): chr1:34,785,348, G>A. VCF-style: chr1-34785348-G-A. GRCh37 (hg19) VCF-style: chr1-35250949-G-A.
Other names: c.586G>A, p.Ala196Thr (NM_001005752.2); short protein forms A196T.
Identifiers: ClinVar variation 694016 (VCV000694016.7), dbSNP rs138304650, ClinGen allele CA754862.